The following is an entry in ClinVar:

ClinVar aggregate classification (germline): Likely benign (1 of 4 stars; one submission).

gnomAD v4.1: 4 of 1,528,718 alleles (0.00026%); highest among the groups gnomAD compares: Non-Finnish European, 0.00026%; no homozygotes.

Submission:

CeGaT Center for Human Genetics Tuebingen
Classification: Likely benign. Last evaluated: 2025-08-01. Review status: criteria provided, single submitter. Criteria: CeGaT Center For Human Genetics Tuebingen Variant Classification Criteria Version 2. Collection method: clinical testing. Allele origin: germline. Affected: yes. Observed: 1 variant allele.
Comment: WDR26: BP4, BP7

NM_001379403.1(WDR26):c.444G>A (p.Ser148=)

Gene: WDR26 (WD repeat domain 26; minus strand). Cytogenetic location: 1q42.12.
Variant type: single nucleotide variant.
Coding change: c.444G>A on transcript NM_001379403.1 (MANE Select); coding-DNA position 444, G replaced by A.
Protein change: p.Ser148=; no amino-acid change (serine 148 retained).
Molecular consequence: synonymous variant.
Genome position (GRCh38, 1-based): chr1:224,433,962, C>T on the plus strand (G>A on the coding strand, the complement: WDR26 is on the minus strand). VCF-style: chr1-224433962-C-T. GRCh37 (hg19) VCF-style: chr1-224621664-C-T.
Other names: c.144G>A, p.Ser48= (NM_001115113.3, NM_025160.7).
Identifiers: ClinVar variation 4085810 (VCV004085810.8).
Genomic context (GRCh38, chr1:224,433,962, plus strand): 5'-GCTGGCGGCGGAGGGGGCGGAAGGCAGGAGCCCATTGGCGTGGGCCAGGTCCCCCGCGGA[C>T]GACGACGACGAGGGGGACGACTCCCCGTTCTGGGCCGACAAGCAGGCGAGTTCCGGGGTC-3'
Protein context (NP_001366332.1, residues 138-158): QNGESSPSSS[Ser148=]SAGDLAHANG